The following is an entry in ClinVar:

NM_001040108.2(MLH3):c.1489T>G (p.Leu497Val)

Gene: MLH3 (mutL homolog 3; minus strand). Cytogenetic location: 14q24.3.
Variant type: single nucleotide variant.
Coding change: c.1489T>G on transcript NM_001040108.2 (MANE Select); coding-DNA position 1489, T replaced by G.
Protein change: p.Leu497Val; replaces leucine 497 with valine.
Molecular consequence: missense variant.
Genome position (GRCh38, 1-based): chr14:75,048,167, A>C on the plus strand (T>G on the coding strand, the complement: MLH3 is on the minus strand). VCF-style: chr14-75048167-A-C. GRCh37 (hg19) VCF-style: chr14-75514870-A-C.
Other names: c.1489T>G, p.Leu497Val (NM_014381.3); short protein forms L497V.
Identifiers: ClinVar variation 1773738 (VCV001773738.2), dbSNP rs2503294193, ClinGen allele CA390445368.

ClinVar aggregate classification (germline): Uncertain significance (1 of 4 stars; one submission).

Allele frequency attached by ClinVar (database versions not stated): gnomAD exomes below 0.00001.

Submission:

Ambry Genetics
Classification: Uncertain significance. Last evaluated: 2021-07-18. Review status: criteria provided, single submitter. Criteria: Ambry Variant Classification Scheme 2023. Collection method: clinical testing. Allele origin: germline.
Comment: The p.L497V variant (also known as c.1489T>G), located in coding exon 1 of the MLH3 gene, results from a T to G substitution at nucleotide position 1489. The leucine at codon 497 is replaced by valine, an amino acid with highly similar properties. This amino acid position is conserved. In addition, this alteration is predicted to be tolerated by in silico analysis. Since supporting evidence is limited at this time, the clinical significance of this alteration remains unclear.